The following is an entry in ClinVar:

ClinVar aggregate classification (germline): Uncertain significance. Review status: criteria provided, multiple submitters, no conflicts (2 of 4 stars). 2 submissions from 2 submitters: Uncertain significance (2). Last evaluated 2023-11-10.

Conditions:
DICER1-related tumor predisposition. Also called: DICER1 syndrome; DICER1-related pleuropulmonary blastoma cancer predisposition syndrome. Identifiers: Orphanet 284343, MedGen C3839822, MONDO:0100216.
Hereditary cancer-predisposing syndrome. Also called: Hereditary neoplastic syndrome; Tumor predisposition; Neoplastic Syndromes, Hereditary; Hereditary Cancer Syndrome. Identifiers: Orphanet 140162, MedGen C0027672, MeSH D009386, MONDO:0015356.

Allele frequency attached by ClinVar (database versions not stated): gnomAD exomes below 0.00001; ExAC 0.00001.

Submissions (2):

Labcorp Genetics (formerly Invitae), Labcorp
Classification: Uncertain significance for DICER1-related tumor predisposition. Last evaluated: 2023-11-10. Review status: criteria provided, single submitter. Criteria: Invitae Variant Classification Sherloc (09022015). Collection method: clinical testing. Allele origin: germline.
Comment: This sequence change replaces serine, which is neutral and polar, with glycine, which is neutral and non-polar, at codon 1239 of the DICER1 protein (p.Ser1239Gly). This variant is present in population databases (rs751765488, gnomAD 0.0009%). This variant has not been reported in the literature in individuals affected with DICER1-related conditions. ClinVar contains an entry for this variant (Variation ID: 962540). An algorithm developed to predict the effect of missense changes on protein structure and function (PolyPhen-2) suggests that this variant is likely to be tolerated. In summary, the available evidence is currently insufficient to determine the role of this variant in disease. Therefore, it has been classified as a Variant of Uncertain Significance.

Ambry Genetics
Classification: Uncertain significance for Hereditary cancer-predisposing syndrome. Last evaluated: 2023-06-15. Review status: criteria provided, single submitter. Criteria: Ambry Variant Classification Scheme 2023. Collection method: clinical testing. Allele origin: germline.
Comment: The p.S1239G variant (also known as c.3715A>G), located in coding exon 20 of the DICER1 gene, results from an A to G substitution at nucleotide position 3715. The serine at codon 1239 is replaced by glycine, an amino acid with similar properties. This amino acid position is well conserved in available vertebrate species. In addition, the in silico prediction for this alteration is inconclusive. Since supporting evidence is limited at this time, the clinical significance of this alteration remains unclear.

NM_177438.3(DICER1):c.3715A>G (p.Ser1239Gly)

Gene: DICER1 (dicer 1, ribonuclease III; minus strand). Cytogenetic location: 14q32.13.
Variant type: single nucleotide variant.
Coding change: c.3715A>G on transcript NM_177438.3 (MANE Select); coding-DNA position 3715, A replaced by G.
Protein change: p.Ser1239Gly; replaces serine 1239 with glycine.
Molecular consequence: missense variant.
Genome position (GRCh38, 1-based): chr14:95,103,681, T>C on the plus strand (A>G on the coding strand, the complement: DICER1 is on the minus strand). VCF-style: chr14-95103681-T-C. GRCh37 (hg19) VCF-style: chr14-95570018-T-C.
Other names: c.3715A>G, p.Ser1239Gly (NM_001195573.1, NM_001271282.3, NM_001291628.2 and 1 more transcripts); short protein forms S1239G.
Identifiers: ClinVar variation 962540 (VCV000962540.13), dbSNP rs751765488, ClinGen allele CA7331000.